The following is an entry in ClinVar:

ClinVar aggregate classification (germline): Uncertain significance (1 of 4 stars; one submission).

gnomAD v4.1: 5 of 1,613,878 alleles (0.00031%); highest among the groups gnomAD compares: Non-Finnish European, 0.00042%; no homozygotes.

Submission:

Labcorp Genetics (formerly Invitae), Labcorp
Classification: Uncertain significance. Last evaluated: 2024-11-06. Review status: criteria provided, single submitter. Criteria: Invitae Variant Classification Sherloc (09022015). Collection method: clinical testing. Allele origin: germline.
Comment: This sequence change replaces threonine, which is neutral and polar, with isoleucine, which is neutral and non-polar, at codon 2058 of the BPTF protein (p.Thr2058Ile). This variant is not present in population databases (gnomAD no frequency). This variant has not been reported in the literature in individuals affected with BPTF-related conditions. An algorithm developed to predict the effect of missense changes on protein structure and function (PolyPhen-2) suggests that this variant is likely to be disruptive. In summary, the available evidence is currently insufficient to determine the role of this variant in disease. Therefore, it has been classified as a Variant of Uncertain Significance.

NM_182641.4(BPTF):c.5795C>T (p.Thr1932Ile)

Gene: BPTF (bromodomain PHD finger transcription factor; plus strand). Cytogenetic location: 17q24.2.
Variant type: single nucleotide variant.
Coding change: c.5795C>T on transcript NM_182641.4 (MANE Select); coding-DNA position 5795, C replaced by T.
Protein change: p.Thr1932Ile; replaces threonine 1932 with isoleucine.
Molecular consequence: missense variant.
Genome position (GRCh38, 1-based): chr17:67,928,398, C>T. VCF-style: chr17-67928398-C-T. GRCh37 (hg19) VCF-style: chr17-65924514-C-T.
Other names: c.6173C>T, p.Thr2058Ile (NM_004459.7); short protein forms T2058I, T1932I.
Identifiers: ClinVar variation 3724769 (VCV003724769.2).